The following is an entry in ClinVar:

ClinVar aggregate classification (germline): Uncertain significance (1 of 4 stars; one submission).

Conditions:
Fanconi anemia (FA). Also called: Fanconi's anemia. Identifiers: Orphanet 84, MedGen C0015625, MeSH D005199, MONDO:0019391.

Submission:

Labcorp Genetics (formerly Invitae), Labcorp
Classification: Uncertain significance for Fanconi anemia. Last evaluated: 2025-06-29. Review status: criteria provided, single submitter. Criteria: Invitae Variant Classification Sherloc (09022015). Collection method: clinical testing. Allele origin: germline.
Comment: This sequence change replaces threonine, which is neutral and polar, with alanine, which is neutral and non-polar, at codon 1332 of the SLX4 protein (p.Thr1332Ala). This variant is not present in population databases (gnomAD no frequency). This variant has not been reported in the literature in individuals affected with SLX4-related conditions. An algorithm developed to predict the effect of missense changes on protein structure and function outputs the following: PolyPhen-2: "Benign". The alanine amino acid residue is found in multiple mammalian species, which suggests that this missense change does not adversely affect protein function. In summary, the available evidence is currently insufficient to determine the role of this variant in disease. Therefore, it has been classified as a Variant of Uncertain Significance.

NM_032444.4(SLX4):c.3994A>G (p.Thr1332Ala)

Gene: SLX4 (SLX4 structure-specific endonuclease subunit; minus strand). Cytogenetic location: 16p13.3.
Variant type: single nucleotide variant.
Coding change: c.3994A>G on transcript NM_032444.4 (MANE Select); coding-DNA position 3994, A replaced by G.
Protein change: p.Thr1332Ala; replaces threonine 1332 with alanine.
Molecular consequence: missense variant.
Genome position (GRCh38, 1-based): chr16:3,589,644, T>C on the plus strand (A>G on the coding strand, the complement: SLX4 is on the minus strand). VCF-style: chr16-3589644-T-C. GRCh37 (hg19) VCF-style: chr16-3639645-T-C.
Other names: short protein forms T1332A.
Identifiers: ClinVar variation 4754713 (VCV004754713.1).